The following is an entry in ClinVar:

NM_001267550.2(TTN):c.55346G>A (p.Cys18449Tyr)

Genes: TTN-AS1 (TTN antisense RNA 1; plus strand), TTN (titin; minus strand). Cytogenetic location: 2q31.2.
Variant type: single nucleotide variant.
Coding change: c.55346G>A on transcript NM_001267550.2 (MANE Select); coding-DNA position 55346, G replaced by A.
Protein change: p.Cys18449Tyr; replaces cysteine 18449 with tyrosine.
Molecular consequence: missense variant.
Genome position (GRCh38, 1-based): chr2:178,601,744, C>T on the plus strand (G>A on the coding strand, the complement: TTN is on the minus strand). VCF-style: chr2-178601744-C-T. GRCh37 (hg19) VCF-style: chr2-179466471-C-T.
Other names: p.C16808Y:TGT>TAT; c.50423G>A, p.Cys16808Tyr (NM_001256850.1); c.28151G>A, p.Cys9384Tyr (NM_003319.4); c.47642G>A, p.Cys15881Tyr (NM_133378.4); c.28526G>A, p.Cys9509Tyr (NM_133432.3); c.28727G>A, p.Cys9576Tyr (NM_133437.4); short protein forms C16808Y, C18449Y, C9509Y, C9576Y, C15881Y, C9384Y.
Identifiers: ClinVar variation 202723 (VCV000202723.2), dbSNP rs794729459, ClinGen allele CA310089.

ClinVar aggregate classification (germline): Uncertain significance (1 of 4 stars; one submission).

Submission:

GeneDx
Classification: Uncertain significance. Last evaluated: 2013-06-11. Review status: criteria provided, single submitter. Criteria: GeneDx Variant Classification (06012015). Collection method: clinical testing. Allele origin: germline. Affected: yes.
Comment: Missense variants in the TTN gene are considered 'unclassified' if they are not previously reported in the literature and do not have >1% frequency in the population to be considered a polymorphism. Research indicates that truncating mutations in the TTN gene are expected to account for approximately 25% of familial and 18% of sporadic idiopathic DCM; however, truncating variants in the TTN gene have been reported in approximately 3% of reported control alleles. There has been little investigation into non-truncating variants. (Herman D et al. Truncations of titin causing dilated cardiomyopathy. N Eng J Med 366:619-628, 2012) The variant is found in DCM panel(s).